The following is an entry in ClinVar:

NM_004946.3(DOCK2):c.197T>C (p.Ile66Thr)

Gene: DOCK2 (dedicator of cytokinesis 2; plus strand). Cytogenetic location: 5q35.1.
Variant type: single nucleotide variant.
Coding change: c.197T>C on transcript NM_004946.3 (MANE Select); coding-DNA position 197, T replaced by C.
Protein change: p.Ile66Thr; replaces isoleucine 66 with threonine.
Molecular consequence: missense variant. On other transcripts: non-coding transcript variant (1).
Genome position (GRCh38, 1-based): chr5:169,670,570, T>C. VCF-style: chr5-169670570-T-C. GRCh37 (hg19) VCF-style: chr5-169097574-T-C.
Other names: short protein forms I66T.
Identifiers: ClinVar variation 2050697 (VCV002050697.4), dbSNP rs893044391, ClinGen allele CA131998473.
Genomic context (GRCh38, chr5:169,670,570, plus strand): 5'-TATTTTGTTTTGTTTTGTTTTGTTTCCAACAGGGCATTTTTCCTAAGTCATTTATCCACA[T>C]CAAGGAAGTGACAGTTGAGAAAAGAAGGTATTTGCCATTCTTCACCAGACTTGAGCCTCC-3'
Protein context (NP_004937.1, residues 56-76): QGIFPKSFIH[Ile66Thr]KEVTVEKRRN

ClinVar aggregate classification (germline): Uncertain significance (1 of 4 stars; one submission).

Conditions:
DOCK2 deficiency. Also called: Immunodeficiency 40. Identifiers: Orphanet 447737, MedGen C4225328, MONDO:0014637, OMIM 616433.

Allele frequency attached by ClinVar (database versions not stated): TOPMed 0.00001.
gnomAD v4.1: 1 of 1,614,010 alleles (0.000062%); highest among the groups gnomAD compares: Non-Finnish European, 0.000085%; no homozygotes.

Submission:

Labcorp Genetics (formerly Invitae), Labcorp
Classification: Uncertain significance for DOCK2 deficiency. Last evaluated: 2021-12-20. Review status: criteria provided, single submitter. Criteria: Invitae Variant Classification Sherloc (09022015). Collection method: clinical testing. Allele origin: germline.
Comment: This sequence change replaces isoleucine, which is neutral and non-polar, with threonine, which is neutral and polar, at codon 66 of the DOCK2 protein (p.Ile66Thr). This variant is not present in population databases (gnomAD no frequency). This variant has not been reported in the literature in individuals affected with DOCK2-related conditions. Algorithms developed to predict the effect of missense changes on protein structure and function are either unavailable or do not agree on the potential impact of this missense change (SIFT: "Deleterious"; PolyPhen-2: "Benign"; Align-GVGD: "Class C0"). In summary, the available evidence is currently insufficient to determine the role of this variant in disease. Therefore, it has been classified as a Variant of Uncertain Significance.